The following is an entry in ClinVar:

ClinVar aggregate classification (germline): Uncertain significance (1 of 4 stars; one submission).

Conditions:
Long QT syndrome (LQTS). Identifiers: MedGen C0023976, MeSH D008133, MONDO:0002442. Disease mechanism: loss of function. Inheritance: Various modes of inheritance.

Allele frequency attached by ClinVar (database versions not stated): gnomAD exomes below 0.00001.
gnomAD v4.1: 3 of 1,614,188 alleles (0.00019%); highest among the groups gnomAD compares: Non-Finnish European, 0.000085%; no homozygotes.

Submission:

Labcorp Genetics (formerly Invitae), Labcorp
Classification: Uncertain significance for Long QT syndrome. Last evaluated: 2019-08-29. Review status: criteria provided, single submitter. Criteria: Invitae Variant Classification Sherloc (09022015). Collection method: clinical testing. Allele origin: germline.
Comment: In summary, the available evidence is currently insufficient to determine the role of this variant in disease. Therefore, it has been classified as a Variant of Uncertain Significance. Algorithms developed to predict the effect of missense changes on protein structure and function output the following: SIFT: "Tolerated"; PolyPhen-2: "Benign"; Align-GVGD: "Class C0". The valine amino acid residue is found in multiple mammalian species, suggesting that this missense change does not adversely affect protein function. These predictions have not been confirmed by published functional studies and their clinical significance is uncertain. This variant has not been reported in the literature in individuals with ANK2-related conditions. This variant is not present in population databases (ExAC no frequency). This sequence change replaces methionine with valine at codon 2995 of the ANK2 protein (p.Met2995Val). The methionine residue is weakly conserved and there is a small physicochemical difference between methionine and valine.

NM_001148.6(ANK2):c.8983A>G (p.Met2995Val)

Gene: ANK2 (ankyrin 2; plus strand). Cytogenetic location: 4q26.
Variant type: single nucleotide variant.
Coding change: c.8983A>G on transcript NM_001148.6 (MANE Select); coding-DNA position 8983, A replaced by G.
Protein change: p.Met2995Val; replaces methionine 2995 with valine.
Molecular consequence: missense variant. On other transcripts: intron variant (68).
Genome position (GRCh38, 1-based): chr4:113,357,601, A>G. VCF-style: chr4-113357601-A-G. GRCh37 (hg19) VCF-style: chr4-114278757-A-G.
Other names: c.8749A>G, p.Met2917Val (NM_001386142.1); c.5383A>G, p.Met1795Val (NM_001386166.1); c.9124A>G, p.Met3042Val (NM_001386174.1); c.9100A>G, p.Met3034Val (NM_001386175.1); c.4412-3222A>G (NM_001386186.2, NM_001386148.2); c.4214-3222A>G (NM_001354269.3); c.4292-3222A>G (NM_001386187.2); c.4253-3222A>G (NM_001386147.1); and 35 more; short protein forms M2995V, M1795V, M2917V, M3034V, M3042V.
Identifiers: ClinVar variation 933898 (VCV000933898.6), dbSNP rs879249653, ClinGen allele CA103817110.